The following is an entry in ClinVar:

ClinVar aggregate classification (germline): Uncertain significance. Review status: criteria provided, multiple submitters, no conflicts (2 of 4 stars). 3 submissions from 3 submitters: Uncertain significance (3). Last evaluated 2023-05-31.

Conditions:
Spastic ataxia 2. Also called: Ataxia, spastic, 2, autosomal recessive. Identifiers: Orphanet 397946, MedGen C1969796, MONDO:0012651, OMIM 611302.
Inborn genetic diseases. Identifiers: MedGen C0950123, MeSH D030342.

Allele frequency attached by ClinVar (database versions not stated): gnomAD exomes 0.00001; gnomAD 0.00002; TOPMed 0.00005; ExAC 0.00008; ESP Exome Variant Server 0.00008.
gnomAD v4.1: 20 of 1,613,316 alleles (0.0012%); highest among the groups gnomAD compares: East Asian, 0.02%; no homozygotes.

Submissions (3):

Ambry Genetics
Classification: Uncertain significance for Inborn genetic diseases. Last evaluated: 2023-05-31. Review status: criteria provided, single submitter. Criteria: Ambry Variant Classification Scheme 2023. Collection method: clinical testing. Allele origin: germline.

Labcorp Genetics (formerly Invitae), Labcorp
Classification: Uncertain significance for Spastic ataxia 2. Last evaluated: 2022-07-20. Review status: criteria provided, single submitter. Criteria: Invitae Variant Classification Sherloc (09022015). Collection method: clinical testing. Allele origin: germline.
Comment: This sequence change replaces proline, which is neutral and non-polar, with serine, which is neutral and polar, at codon 913 of the KIF1C protein (p.Pro913Ser). This variant is present in population databases (rs368398299, gnomAD 0.09%). This variant has not been reported in the literature in individuals affected with KIF1C-related conditions. Algorithms developed to predict the effect of missense changes on protein structure and function output the following: SIFT: "Deleterious"; PolyPhen-2: "Benign"; Align-GVGD: "Class C0". The serine amino acid residue is found in multiple mammalian species, which suggests that this missense change does not adversely affect protein function. In summary, the available evidence is currently insufficient to determine the role of this variant in disease. Therefore, it has been classified as a Variant of Uncertain Significance.

GeneDx
Classification: Uncertain significance. Last evaluated: 2022-05-27. Review status: criteria provided, single submitter. Criteria: GeneDx Variant Classification Process June 2021. Collection method: clinical testing. Allele origin: germline. Affected: yes.
Comment: In silico analysis supports that this missense variant does not alter protein structure/function; Has not been previously published as pathogenic or benign to our knowledge

NM_006612.6(KIF1C):c.2737C>T (p.Pro913Ser)

Gene: KIF1C (kinesin family member 1C; plus strand). Cytogenetic location: 17p13.2.
Variant type: single nucleotide variant.
Coding change: c.2737C>T on transcript NM_006612.6 (MANE Select); coding-DNA position 2737, C replaced by T.
Protein change: p.Pro913Ser; replaces proline 913 with serine.
Molecular consequence: missense variant.
Genome position (GRCh38, 1-based): chr17:5,023,576, C>T. VCF-style: chr17-5023576-C-T. GRCh37 (hg19) VCF-style: chr17-4926871-C-T.
Other names: short protein forms P913S.
Identifiers: ClinVar variation 1801004 (VCV001801004.5), dbSNP rs368398299, ClinGen allele CA8319373.